The following is an entry in ClinVar:

NM_003108.4(SOX11):c.732C>G (p.Asp244Glu)

Gene: SOX11 (SRY-box transcription factor 11; plus strand). Cytogenetic location: 2p25.2.
Variant type: single nucleotide variant.
Coding change: c.732C>G on transcript NM_003108.4 (MANE Select); coding-DNA position 732, C replaced by G.
Protein change: p.Asp244Glu; replaces aspartic acid 244 with glutamic acid.
Molecular consequence: missense variant.
Genome position (GRCh38, 1-based): chr2:5,693,453, C>G. VCF-style: chr2-5693453-C-G. GRCh37 (hg19) VCF-style: chr2-5833585-C-G.
Other names: short protein forms D244E.
Identifiers: ClinVar variation 3167706 (VCV003167706.5), dbSNP rs769259145, ClinGen allele CA1517910.
Genomic context (GRCh38, chr2:5,693,453, plus strand): 5'-GGACGACGACGACGACGACGACGACGACGAGCTGCAGCTGCAGATCAAACAGGAGCCGGA[C>G]GAGGAGGACGAGGAACCACCGCACCAGCAGCTCCTGCAGCCGCCGGGGCAGCAGCCGTCG-3'
Protein context (NP_003099.1, residues 234-254): ELQLQIKQEP[Asp244Glu]EEDEEPPHQQ

ClinVar aggregate classification (germline): Conflicting classifications of pathogenicity. Review status: criteria provided, conflicting classifications (1 of 4 stars). 5 submissions from 5 submitters: Uncertain significance (1); Likely benign (4). Last evaluated 2025-08-15.

Conditions:
Intellectual developmental disorder with microcephaly and with or without ocular malformations or hypogonadotropic hypogonadism. Also called: Coffin-Siris Syndrome 9; Intellectual disability, autosomal dominant 27. Identifiers: Orphanet 1465, MedGen C4014528, MONDO:0014376, OMIM 615866.
Hypogonadotropic hypogonadism. Also called: Low gonadotropins (secondary hypogonadism); Hypogonadotrophic hypogonadism; Isolated hypogonadotropic hypogonadism; Hypogonadotropic hypogonadism with or without anosmia. Identifiers: Orphanet 432, MedGen C0271623, MONDO:0018555, HP:0000044.
Inborn genetic diseases. Identifiers: MedGen C0950123, MeSH D030342.

Allele frequency attached by ClinVar (database versions not stated): TOPMed 0.00009.

Submissions (5):

Labcorp Genetics (formerly Invitae), Labcorp
Classification: Uncertain significance. Last evaluated: 2025-08-15. Review status: criteria provided, single submitter. Criteria: Invitae Variant Classification Sherloc (09022015). Collection method: clinical testing. Allele origin: germline.
Comment: This sequence change replaces aspartic acid, which is acidic and polar, with glutamic acid, which is acidic and polar, at codon 244 of the SOX11 protein (p.Asp244Glu). This variant is present in population databases (rs769259145, gnomAD 0.01%). This variant has not been reported in the literature in individuals affected with SOX11-related conditions. ClinVar contains an entry for this variant (Variation ID: 3167706). Invitae Evidence Modeling of protein sequence and biophysical properties (such as structural, functional, and spatial information, amino acid conservation, physicochemical variation, residue mobility, and thermodynamic stability) indicates that this missense variant is not expected to disrupt SOX11 protein function with a negative predictive value of 95%. In summary, the available evidence is currently insufficient to determine the role of this variant in disease. Therefore, it has been classified as a Variant of Uncertain Significance.

Reproductive Endocrine Unit, Massachusetts General Hospital
Classification: Likely benign for HYPOGONADOTROPIC HYPOGONADISM. Last evaluated: 2024-06-25. Review status: criteria provided, single submitter. Criteria: ACMG Guidelines, 2015. Collection method: research. Allele origin: paternal. Affected: yes.
Comment: PP2,BP4,BP5,2BP

Blueprint Genetics
Classification: Likely benign. Last evaluated: 2024-04-23. Review status: criteria provided, single submitter. Criteria: ACMG Guidelines, 2015. Collection method: clinical testing. Allele origin: germline.

Fulgent Genetics
Classification: Likely benign for Intellectual developmental disorder with microcephaly and with or without ocular malformations or hypogonadotropic hypogonadism. Last evaluated: 2024-03-14. Review status: criteria provided, single submitter. Criteria: ACMG Guidelines, 2015. Collection method: clinical testing. Allele origin: germline.

Ambry Genetics
Classification: Likely benign for Inborn genetic diseases. Last evaluated: 2023-10-05. Review status: criteria provided, single submitter. Criteria: Ambry Variant Classification Scheme 2023. Collection method: clinical testing. Allele origin: germline.